The following is an entry in ClinVar:

NM_000321.3(RB1):c.2070T>A (p.Asn690Lys)

Gene: RB1 (RB transcriptional corepressor 1; plus strand). Cytogenetic location: 13q14.2.
Variant type: single nucleotide variant.
Coding change: c.2070T>A on transcript NM_000321.3 (MANE Select); coding-DNA position 2070, T replaced by A.
Protein change: p.Asn690Lys; replaces asparagine 690 with lysine.
Molecular consequence: missense variant.
Genome position (GRCh38, 1-based): chr13:48,459,797, T>A. VCF-style: chr13-48459797-T-A. GRCh37 (hg19) VCF-style: chr13-49033933-T-A.
Other names: c.2070T>A, p.Asn690Lys (NM_001407165.1); short protein forms N690K.
Identifiers: ClinVar variation 2997517 (VCV002997517.3), dbSNP rs2138336349, ClinGen allele CA388166893.

ClinVar aggregate classification (germline): Uncertain significance (1 of 4 stars; one submission).

Conditions:
Retinoblastoma (RB1). Also called: RETINOBLASTOMA, SOMATIC. Identifiers: Orphanet 790, MedGen C0035335, MeSH D012175, MONDO:0008380, OMIM 180200, HP:0009919. Disease mechanism: loss of function. Inheritance: Both sporadic and heritable forms are tested..

Submission:

Labcorp Genetics (formerly Invitae), Labcorp
Classification: Uncertain significance for Retinoblastoma. Last evaluated: 2022-12-05. Review status: criteria provided, single submitter. Criteria: Invitae Variant Classification Sherloc (09022015). Collection method: clinical testing. Allele origin: germline.
Comment: This variant is not present in population databases (gnomAD no frequency). This sequence change replaces asparagine, which is neutral and polar, with lysine, which is basic and polar, at codon 690 of the RB1 protein (p.Asn690Lys). This variant has not been reported in the literature in individuals affected with RB1-related conditions. Advanced modeling of protein sequence and biophysical properties (such as structural, functional, and spatial information, amino acid conservation, physicochemical variation, residue mobility, and thermodynamic stability) performed at Invitae indicates that this missense variant is not expected to disrupt RB1 protein function. In summary, the available evidence is currently insufficient to determine the role of this variant in disease. Therefore, it has been classified as a Variant of Uncertain Significance.